The following is an entry in ClinVar:

NM_014588.6(VSX1):c.419C>T (p.Thr140Met)

Gene: VSX1 (visual system homeobox 1; minus strand). Cytogenetic location: 20p11.21.
Variant type: single nucleotide variant.
Coding change: c.419C>T on transcript NM_014588.6 (MANE Select); coding-DNA position 419, C replaced by T.
Protein change: p.Thr140Met; replaces threonine 140 with methionine.
Molecular consequence: missense variant. On other transcripts: non-coding transcript variant (2).
Genome position (GRCh38, 1-based): chr20:25,081,678, G>A on the plus strand (C>T on the coding strand, the complement: VSX1 is on the minus strand). VCF-style: chr20-25081678-G-A. GRCh37 (hg19) VCF-style: chr20-25062314-G-A.
Other names: c.419C>T, p.Thr140Met (NM_001256271.2, NM_001256272.2, NM_199425.3); short protein forms T140M.
Identifiers: ClinVar variation 2972491 (VCV002972491.3), dbSNP rs1600389791, ClinGen allele CA408435799.

ClinVar aggregate classification (germline): Uncertain significance (1 of 4 stars; one submission).

Allele frequency attached by ClinVar (database versions not stated): TOPMed below 0.00001.
gnomAD v4.1: 6 of 1,518,136 alleles (0.0004%); highest among the groups gnomAD compares: Non-Finnish European, 0.00053%; no homozygotes.

Submission:

Labcorp Genetics (formerly Invitae), Labcorp
Classification: Uncertain significance. Last evaluated: 2023-12-07. Review status: criteria provided, single submitter. Criteria: Invitae Variant Classification Sherloc (09022015). Collection method: clinical testing. Allele origin: germline.
Comment: This sequence change replaces threonine, which is neutral and polar, with methionine, which is neutral and non-polar, at codon 140 of the VSX1 protein (p.Thr140Met). This variant is not present in population databases (gnomAD no frequency). This variant has not been reported in the literature in individuals affected with VSX1-related conditions. Advanced modeling of protein sequence and biophysical properties (such as structural, functional, and spatial information, amino acid conservation, physicochemical variation, residue mobility, and thermodynamic stability) performed at Invitae indicates that this missense variant is expected to disrupt VSX1 protein function with a positive predictive value of 80%. In summary, the available evidence is currently insufficient to determine the role of this variant in disease. Therefore, it has been classified as a Variant of Uncertain Significance.